The following is an entry in ClinVar:

NM_031443.4(CCM2):c.746-1G>A

Gene: CCM2 (CCM2 scaffold protein; plus strand). Cytogenetic location: 7p13.
Variant type: single nucleotide variant.
Coding change: c.746-1G>A on transcript NM_031443.4 (MANE Select); the canonical splice acceptor site of the intron before coding-DNA position 746, G replaced by A.
Molecular consequence: splice acceptor variant.
Genome position (GRCh38, 1-based): chr7:45,072,725, G>A. VCF-style: chr7-45072725-G-A. GRCh37 (hg19) VCF-style: chr7-45112324-G-A.
Other names: c.869-1G>A (NM_001363458.2); c.473-1G>A (NM_001167935.2); c.695-1G>A (NM_001363459.2); c.572-1G>A (NM_001167934.2); c.809-1G>A (NM_001029835.2).
Identifiers: ClinVar variation 4819101 (VCV004819101.1).
Genomic context (GRCh38, chr7:45,072,725, plus strand): 5'-TCAAAATGCCTCCCCACTATGTCCCTGAAAGTCATCTTAGTTTTCTGCATCTTCCTTACA[G>A]ATGACTCTTCTACAAAAGTGGACATTAAGGAGACCTACGAGGTGGAAGCCAGCACTTTGT-3'

ClinVar aggregate classification (germline): Pathogenic (1 of 4 stars; one submission).

Conditions:
Cerebral cavernous malformation 2. Also called: Familial Cerebral Cavernous Malformation 2. Identifiers: Orphanet 221061, MedGen C1864041, MONDO:0011304, OMIM 603284.

Submission:

Institute of Human Genetics, University of Leipzig Medical Center
Classification: Pathogenic for Cerebral cavernous malformation 2. Last evaluated: 2026-01-26. Review status: criteria provided, single submitter. Criteria: ACMG Guidelines, 2015. Collection method: clinical testing. Allele origin: unknown. Inheritance: Autosomal dominant inheritance. Affected: yes.
Comment: Criteria applied: PVS1,PM2